The following is an entry in ClinVar:

ClinVar aggregate classification (germline): Uncertain significance. Review status: criteria provided, single submitter (1 of 4 stars). 2 submissions from 2 submitters: Uncertain significance (1). 1 of the submissions does not count toward it. Last evaluated 2025-09-30.

Conditions:
C3 glomerulonephritis. Also called: C3 GLOMERULOPATHY 3; Nephropathy due to CFHR5 Deficiency. Identifiers: Orphanet 329931, MedGen C4055342, MONDO:0013892, OMIM 614809.
Atypical hemolytic-uremic syndrome with C3 anomaly. Also called: AHUS, SUSCEPTIBILITY TO, 5. Identifiers: Orphanet 2134, MedGen C2752037, MONDO:0013043, OMIM 612925.

Submissions (2):

Genomenon, Inc
Classification: Uncertain significance for C3 glomerulonephritis. Last evaluated: 2025-09-30. Review status: criteria provided, single submitter. Criteria: Genomenon Sequence Variant Interpretation Standards. Collection method: curation. Allele origin: germline. Affected: yes.
Comment: C3 p.Gln844Arg (c.2531A>G) is a missense variant that changes the amino acid at residue 844 from Glutamine to Arginine. This variant has been observed in at least one proband affected with C3 glomerulonephritis (PMID:27784126). It is absent or not present at a significant frequency in gnomAD. In conclusion, we classify C3 p.Gln844Arg (c.2531A>G) as a variant of unknown significance.

Bioscientia Institut fuer Medizinische Diagnostik GmbH, Sonic Healthcare
Classification: Likely pathogenic for Atypical hemolytic-uremic syndrome with C3 anomaly. Last evaluated: 2019-10-29. Review status: no assertion criteria provided. Collection method: clinical testing. Allele origin: germline. Affected: yes. Not counted in ClinVar's aggregate classification.

Literature cited by the submitters: PubMed 27784126 (cited by Genomenon, Inc).

NM_000064.4(C3):c.2531A>G (p.Gln844Arg)

Gene: C3 (complement C3; minus strand). Cytogenetic location: 19p13.3.
Variant type: single nucleotide variant.
Coding change: c.2531A>G on transcript NM_000064.4 (MANE Select); coding-DNA position 2531, A replaced by G.
Protein change: p.Gln844Arg; replaces glutamine 844 with arginine.
Molecular consequence: missense variant.
Genome position (GRCh38, 1-based): chr19:6,697,704, T>C on the plus strand (A>G on the coding strand, the complement: C3 is on the minus strand). VCF-style: chr19-6697704-T-C. GRCh37 (hg19) VCF-style: chr19-6697715-T-C.
Other names: short protein forms Q844R.
Identifiers: ClinVar variation 830025 (VCV000830025.3), dbSNP rs1599510478, ClinGen allele CA403633927.